The following is an entry in ClinVar:

NM_006593.4(TBR1):c.358C>T (p.Pro120Ser)

Gene: TBR1 (T-box brain transcription factor 1; plus strand). Cytogenetic location: 2q24.2.
Variant type: single nucleotide variant.
Coding change: c.358C>T on transcript NM_006593.4 (MANE Select); coding-DNA position 358, C replaced by T.
Protein change: p.Pro120Ser; replaces proline 120 with serine.
Molecular consequence: missense variant.
Genome position (GRCh38, 1-based): chr2:161,416,768, C>T. VCF-style: chr2-161416768-C-T. GRCh37 (hg19) VCF-style: chr2-162273279-C-T.
Other names: short protein forms P120S.
Identifiers: ClinVar variation 587992 (VCV000587992.10), dbSNP rs1559059936, ClinGen allele CA349211221.
Genomic context (GRCh38, chr2:161,416,768, plus strand): 5'-TCTGCTGCAGATCGCTACCTCCTCTCTCAGTCCAGCCAGCCACAGTCTGCGGCCACTGCT[C>T]CCAGTGCCATGTTCCCGTACCCCGGCCAGCACGGACCGGCGCACCCCGCCTTCTCCATCG-3'
Protein context (NP_006584.1, residues 110-130): SSQPQSAATA[Pro120Ser]SAMFPYPGQH

ClinVar aggregate classification (germline): Conflicting classifications of pathogenicity. Review status: criteria provided, conflicting classifications (1 of 4 stars). 4 submissions from 4 submitters: Uncertain significance (3); Likely benign (1). Last evaluated 2024-09-20.

Conditions:
Intellectual developmental disorder with autism and speech delay. Also called: Autism 5; AUTS5; Autism, susceptibility to, 5; PHRASE SPEECH DELAY, AUTISM-RELATED; AUTISM-RELATED SPEECH DELAY. Identifiers: MedGen C1853755, MONDO:0011627, OMIM 606053.
Inborn genetic diseases. Identifiers: MedGen C0950123, MeSH D030342.

Allele frequency attached by ClinVar (database versions not stated): TOPMed 0.00002.

Submissions (4):

3billion
Classification: Likely benign for Intellectual developmental disorder with autism and speech delay. Last evaluated: 2024-09-20. Review status: criteria provided, single submitter. Criteria: ACMG Guidelines, 2015. Collection method: clinical testing. Allele origin: germline. Affected: no.
Comment: The variant was identified in at least one patient who was diagnosed with a different variant in another gene and showed no symptoms related to the gene containing the variant in question.

Ambry Genetics
Classification: Uncertain significance for Inborn genetic diseases. Last evaluated: 2023-11-21. Review status: criteria provided, single submitter. Criteria: Ambry Variant Classification Scheme 2023. Collection method: clinical testing. Allele origin: germline.

GeneDx
Classification: Uncertain significance. Last evaluated: 2022-09-08. Review status: criteria provided, single submitter. Criteria: GeneDx Variant Classification Process June 2021. Collection method: clinical testing. Allele origin: germline. Affected: yes.
Comment: Not observed in large population cohorts (gnomAD); In silico analysis supports that this missense variant does not alter protein structure/function; Has not been previously published as pathogenic or benign to our knowledge

New York Genome Center
Classification: Uncertain significance for Intellectual developmental disorder with autism and speech delay. Last evaluated: 2021-01-29. Review status: criteria provided, single submitter. Criteria: NYGC Assertion Criteria 2020. Collection method: clinical testing. Allele origin: germline. Observed: 1 heterozygote. Study: CSER-NYCKidSeq.
Comment: The c.358C>T (p.Pro120Ser) variant identified in the TBR1 gene substitutes a well conserved Proline for Serine at amino acid 120/683 (exon 1/6). This variant is absent from gnomAD(v3.1) suggesting it is not a common benign variant in the populations represented in that database. In silico algorithms predict this variant to be Tolerated (SIFT; score: 0.057) and Benign (REVEL; score:0.207) to the function of the canonical transcript. This variant is reported as a Variant of Uncertain Significance in ClinVar (VarID:587992), and to our current knowledge has not been reported in affected individuals in the literature. The p.Pro120 residue is not within a mapped domain of TBR1 (UniProtKB:Q16650). Given the lack of compelling evidence for its pathogenicity, the c.358C>T (p.Pro120Ser) variant identified in the TBR1 gene is reported as a Variant of Uncertain Significance.